The following is an entry in ClinVar:

NM_004795.4(KL):c.2816C>T (p.Ala939Val)

Gene: KL (klotho; plus strand). Cytogenetic location: 13q13.1.
Variant type: single nucleotide variant.
Coding change: c.2816C>T on transcript NM_004795.4 (MANE Select); coding-DNA position 2816, C replaced by T.
Protein change: p.Ala939Val; replaces alanine 939 with valine.
Molecular consequence: missense variant.
Genome position (GRCh38, 1-based): chr13:33,063,963, C>T. VCF-style: chr13-33063963-C-T. GRCh37 (hg19) VCF-style: chr13-33638100-C-T.
Other names: short protein forms A939V.
Identifiers: ClinVar variation 2767218 (VCV002767218.3), dbSNP rs2501797012, ClinGen allele CA387800171.

ClinVar aggregate classification (germline): Uncertain significance (1 of 4 stars; one submission).

Submission:

Labcorp Genetics (formerly Invitae), Labcorp
Classification: Uncertain significance. Last evaluated: 2023-10-09. Review status: criteria provided, single submitter. Criteria: Invitae Variant Classification Sherloc (09022015). Collection method: clinical testing. Allele origin: germline.
Comment: This sequence change replaces alanine, which is neutral and non-polar, with valine, which is neutral and non-polar, at codon 939 of the KL protein (p.Ala939Val). This variant is not present in population databases (gnomAD no frequency). This variant has not been reported in the literature in individuals affected with KL-related conditions. Advanced modeling of protein sequence and biophysical properties (such as structural, functional, and spatial information, amino acid conservation, physicochemical variation, residue mobility, and thermodynamic stability) performed at Invitae indicates that this missense variant is not expected to disrupt KL protein function. In summary, the available evidence is currently insufficient to determine the role of this variant in disease. Therefore, it has been classified as a Variant of Uncertain Significance.